The following is an entry in ClinVar:

ClinVar aggregate classification (germline): Likely benign. Review status: criteria provided, multiple submitters, no conflicts (2 of 4 stars). 2 submissions from 2 submitters: Likely benign (2). Last evaluated 2026-05-01.

Conditions:
Muscular dystrophy-dystroglycanopathy (congenital with impaired intellectual development), type B, 1. Also called: Muscular dystrophy-dystroglycanopathy (congenital with intellectual disability), type B1; MUSCULAR DYSTROPHY, CONGENITAL, POMT1-RELATED. Identifiers: MedGen C5436962, MONDO:0013159, OMIM 613155.
Autosomal recessive limb-girdle muscular dystrophy type 2K. Also called: MUSCULAR DYSTROPHY, LIMB-GIRDLE, TYPE 2K; MUSCULAR DYSTROPHY-DYSTROGLYCANOPATHY (LIMB-GIRDLE), TYPE C, 1. Identifiers: Orphanet 86812, MedGen C1836373, MONDO:0012248, OMIM 609308.
Walker-Warburg congenital muscular dystrophy. Also called: Muscular dystrophy-dystroglycanopathy, type A; Walker-Warburg syndrome. Identifiers: Orphanet 899, MedGen C0265221, MONDO:0000171.

gnomAD v4.1: 16 of 1,614,082 alleles (0.00099%); highest among the groups gnomAD compares: Middle Eastern, 0.016%; no homozygotes.

Submissions (2):

CeGaT Center for Human Genetics Tuebingen
Classification: Likely benign. Last evaluated: 2026-05-01. Review status: criteria provided, single submitter. Criteria: CeGaT Center For Human Genetics Tuebingen Variant Classification Criteria Version 2. Collection method: clinical testing. Allele origin: germline. Affected: yes. Observed: 1 variant allele.
Comment: POMT1: BP4, BP7

Labcorp Genetics (formerly Invitae), Labcorp
Classification: Likely benign for Muscular dystrophy-dystroglycanopathy (congenital with impaired intellectual development), type B, 1; Walker-Warburg congenital muscular dystrophy; Autosomal recessive limb-girdle muscular dystrophy type 2K. Last evaluated: 2025-08-11. Review status: criteria provided, single submitter. Criteria: Invitae Variant Classification Sherloc (09022015). Collection method: clinical testing. Allele origin: germline.

NM_001077365.2(POMT1):c.330C>T (p.Leu110=)

Gene: POMT1 (protein O-mannosyltransferase 1; plus strand). Cytogenetic location: 9q34.13.
Variant type: single nucleotide variant.
Coding change: c.330C>T on transcript NM_001077365.2 (MANE Select); coding-DNA position 330, C replaced by T.
Protein change: p.Leu110=; no amino-acid change (leucine 110 retained).
Molecular consequence: synonymous variant. On other transcripts: 5 prime UTR variant (5), non-coding transcript variant (9), intron variant (2).
Genome position (GRCh38, 1-based): chr9:131,507,417, C>T. VCF-style: chr9-131507417-C-T. GRCh37 (hg19) VCF-style: chr9-134382804-C-T.
Other names: c.168C>T, p.Leu56= (NM_001077366.2, NM_001353194.2, NM_001353197.2 and 3 more transcripts); c.330C>T, p.Leu110= (NM_001136113.2, NM_001353193.2, NM_001374690.1 and 1 more transcripts); c.-22C>T (NM_001136114.2, NM_001353195.2, NM_001353199.2 and 2 more transcripts); c.240C>T, p.Leu80= (NM_001353196.2); c.-29-1494C>T (NM_001374695.1); c.-30+964C>T (NM_001353200.2).
Identifiers: ClinVar variation 743786 (VCV000743786.11), dbSNP rs138064523, ClinGen allele CA5293232.